The following is an entry in ClinVar:

ClinVar aggregate classification (germline): Likely pathogenic (1 of 4 stars; one submission).

Conditions:
Hyperinsulinemic hypoglycemia, familial, 1 (HHF1). Also called: HYPERINSULINISM, FAMILIAL, WITH PANCREATIC NESIDIOBLASTOSIS; HYPOGLYCEMIA, HYPERINSULINEMIC, OF INFANCY; NESIDIOBLASTOSIS OF PANCREAS; Persistent hyperinsulinemic hypoglycemia of infancy; Persistent Hyperinsulinemia Hypoglycemia of Infancy. Identifiers: Orphanet 276575, Orphanet 276598, MedGen C2931832, MONDO:0009734, OMIM 256450.

Submission:

Myriad Genetics, Inc.
Classification: Likely pathogenic for Hyperinsulinemic hypoglycemia, familial, 1. Last evaluated: 2022-03-31. Review status: criteria provided, single submitter. Criteria: Myriad Women's Health Autosomal Recessive and X-Linked Classification Criteria (2021). Collection method: clinical testing. Allele origin: unknown.
Comment: NM_000352.3(ABCC8):c.1858delC(R620Vfs*27) is expected to be pathogenic in the context of familial hyperinsulinism, ABCC8-related. This variant is predicted to lead to an abnormal or absent protein product due to the creation of a premature termination codon in ABCC8, a gene where loss-of-function variants are known to be pathogenic. Please note: this variant was assessed in the context of healthy population screening.

NM_000352.6(ABCC8):c.1858del (p.Arg620fs)

Gene: ABCC8 (ATP binding cassette subfamily C member 8; minus strand). Cytogenetic location: 11p15.1.
Variant type: Deletion.
Coding change: c.1858del on transcript NM_000352.6 (MANE Select); coding-DNA position 1858, one base deleted (C; older notation c.1858delC).
Protein change: p.Arg620fs; shifts the reading frame from arginine 620.
Molecular consequence: frameshift variant. On other transcripts: non-coding transcript variant (1).
Genome position (GRCh38, 1-based): chr11:17,428,630, G deleted on the plus strand (C on the coding strand, the reverse complement: ABCC8 is on the minus strand); the first of 2 consecutive G bases (chr11:17,428,630-17,428,631); deleting either gives the same sequence. VCF-style (leftmost placement, unchanged base first): chr11-17428629-CG-C. GRCh37 (hg19) VCF-style: chr11-17450176-CG-C.
Other names: c.1858del, p.Arg620fs (NM_001287174.3, NM_001351295.2); c.1855del, p.Arg619fs (NM_001351296.2, NM_001351297.2); short protein forms R619fs, R620fs.
Identifiers: ClinVar variation 1725705 (VCV001725705.2), dbSNP rs2496672003, ClinGen allele CA2580082791.